The following is an entry in ClinVar:

NM_001105247.2(ARMC5):c.969C>T (p.Gly323=)

Gene: ARMC5 (armadillo repeat containing 5; plus strand). Cytogenetic location: 16p11.2.
Variant type: single nucleotide variant.
Coding change: c.969C>T on transcript NM_001105247.2 (MANE Select); coding-DNA position 969, C replaced by T.
Protein change: p.Gly323=; no amino-acid change (glycine 323 retained).
Molecular consequence: synonymous variant.
Genome position (GRCh38, 1-based): chr16:31,462,516, C>T. VCF-style: chr16-31462516-C-T. GRCh37 (hg19) VCF-style: chr16-31473837-C-T.
Other names: NC_000016.9:g.31473837C>T; c.1254C>T, p.Gly418= (NM_001288767.2); c.1065C>T, p.Gly355= (NM_001301820.1); c.969C>T, p.Gly323= (NM_024742.2); c.1254C>T (NM_001288767.1).
Identifiers: ClinVar variation 737787 (VCV000737787.8), dbSNP rs190300567, ClinGen allele CA8029584.

ClinVar aggregate classification (germline): Benign. Review status: criteria provided, multiple submitters, no conflicts (2 of 4 stars). 3 submissions from 3 submitters: Benign (2). 1 of the submissions does not count toward it. Last evaluated 2019-12-31.

Conditions:
ARMC5-related disorder. Also called: ARMC5-related condition.

Allele frequency attached by ClinVar (database versions not stated): ESP Exome Variant Server 0.00032; gnomAD exomes 0.00046 and 0.00169; gnomAD 0.00063 and 0.00098; TOPMed 0.00087; ExAC 0.00168; 1000 Genomes Project 30x 0.00765; 1000 Genomes Project 0.00859.
gnomAD v4.1: 878 of 1,611,348 alleles (0.054%); highest among the groups gnomAD compares: East Asian, 1.4%; 9 homozygotes.

Submissions (6):

Labcorp Genetics (formerly Invitae), Labcorp
Classification: Benign. Last evaluated: 2019-12-31. Review status: criteria provided, single submitter. Criteria: Invitae Variant Classification Sherloc (09022015). Collection method: clinical testing. Allele origin: germline.

Breakthrough Genomics
Classification: Benign. Review status: criteria provided, single submitter. Criteria: ACMG Guidelines, 2015. Collection method: not provided. Allele origin: germline. Inheritance: Autosomal dominant inheritance. Affected: yes.

PreventionGenetics, part of Exact Sciences
Classification: Benign for ARMC5-related condition. Last evaluated: 2019-07-12. Review status: no assertion criteria provided. Collection method: clinical testing. Allele origin: germline. Not counted in ClinVar's aggregate classification.
Comment: This variant is classified as benign based on ACMG/AMP sequence variant interpretation guidelines (Richards et al. 2015 PMID: 25741868, with internal and published modifications).

Dr. Peter K. Rogan Lab, Western University
No classification provided (evidence only). Condition: Gastric cancer. Review status: no classification provided. Collection method: in vitro. Allele origin: not applicable. Functional consequence: retained intron. Not counted in ClinVar's aggregate classification.

Dr. Peter K. Rogan Lab, Western University
No classification provided (evidence only). Condition: Malignant tumor of esophagus. Review status: no classification provided. Collection method: in vitro. Allele origin: not applicable. Functional consequence: retained intron. Not counted in ClinVar's aggregate classification.

Dr. Peter K. Rogan Lab, Western University
No classification provided (evidence only). Condition: Malignant tumor of esophagus. Review status: no classification provided. Collection method: in vitro. Allele origin: not applicable. Functional consequence: retained intron. Not counted in ClinVar's aggregate classification.